The following is an entry in ClinVar:

ClinVar aggregate classification (germline): Uncertain significance (1 of 4 stars; one submission).

Allele frequency attached by ClinVar (database versions not stated): gnomAD exomes below 0.00001; ExAC 0.00001; gnomAD 0.00001; TOPMed 0.00001.
gnomAD v4.1: 3 of 1,606,802 alleles (0.00019%); highest among the groups gnomAD compares: East Asian, 0.0022%; no homozygotes.

Submission:

GeneDx
Classification: Uncertain significance. Last evaluated: 2019-07-01. Review status: criteria provided, single submitter. Criteria: GeneDx Variant Classification Process June 2021. Collection method: clinical testing. Allele origin: germline. Affected: yes.
Comment: In silico analysis, which includes protein predictors and evolutionary conservation, supports that this variant does not alter protein structure/function; Has not been previously published as pathogenic or benign to our knowledge; Variants in candidate genes are classified as variants of uncertain significance in accordance with ACMG guidelines (Richards et al., 2015)

NM_014704.4(CEP104):c.475G>A (p.Asp159Asn)

Gene: CEP104 (centrosomal protein 104; minus strand). Cytogenetic location: 1p36.32.
Variant type: single nucleotide variant.
Coding change: c.475G>A on transcript NM_014704.4 (MANE Select); coding-DNA position 475, G replaced by A.
Protein change: p.Asp159Asn; replaces aspartic acid 159 with asparagine.
Molecular consequence: missense variant.
Genome position (GRCh38, 1-based): chr1:3,845,303, C>T on the plus strand (G>A on the coding strand, the complement: CEP104 is on the minus strand). VCF-style: chr1-3845303-C-T. GRCh37 (hg19) VCF-style: chr1-3761867-C-T.
Other names: short protein forms D159N.
Identifiers: ClinVar variation 1306837 (VCV001306837.2), dbSNP rs754892174, ClinGen allele CA551964.